The following is an entry in ClinVar:

NM_004415.4(DSP):c.3311T>A (p.Ile1104Lys)

Gene: DSP (desmoplakin; plus strand). Cytogenetic location: 6p24.3.
Variant type: single nucleotide variant.
Coding change: c.3311T>A on transcript NM_004415.4 (MANE Select); coding-DNA position 3311, T replaced by A.
Protein change: p.Ile1104Lys; replaces isoleucine 1104 with lysine.
Molecular consequence: missense variant.
Genome position (GRCh38, 1-based): chr6:7,579,501, T>A. VCF-style: chr6-7579501-T-A. GRCh37 (hg19) VCF-style: chr6-7579734-T-A.
Other names: c.3311T>A, p.Ile1104Lys (NM_001008844.3, NM_001319034.2); short protein forms I1104K.
Identifiers: ClinVar variation 4088140 (VCV004088140.1).
Genomic context (GRCh38, chr6:7,579,501, plus strand): 5'-GACAGGCTGAGCTGGATGGGAAGTCGGCTAAGCAAAATCTAGACAAGTGCTACGGCCAAA[T>A]AAAAGAACTCAATGAGAAGATCACCCGACTGACTTATGAGATTGAAGATGAAAAGAGAAG-3'
Protein context (NP_004406.2, residues 1094-1114): KQNLDKCYGQ[Ile1104Lys]KELNEKITRL

ClinVar aggregate classification (germline): Uncertain significance (1 of 4 stars; one submission).

Submission:

GeneDx
Classification: Uncertain significance. Last evaluated: 2025-03-27. Review status: criteria provided, single submitter. Criteria: GeneDx Variant Classification Process June 2021. Collection method: clinical testing. Allele origin: germline. Affected: yes.
Comment: Has not been previously published as pathogenic or benign to our knowledge; Not observed at significant frequency in large population cohorts (gnomAD); In silico analysis indicates that this missense variant does not alter protein structure/function